The following is an entry in ClinVar:

ClinVar aggregate classification (germline): Likely pathogenic. Review status: criteria provided, multiple submitters, no conflicts (2 of 4 stars). 2 submissions from 2 submitters: Likely pathogenic (2). Last evaluated 2026-03-03.

Conditions:
Multiple acyl-CoA dehydrogenase deficiency (MADD). Also called: ETHYLMALONIC-ADIPICACIDURIA; Glutaric aciduria, type 2; Glutaric acidemia type II; GA 2; Glutaric Acidemia type 2; GA II. Identifiers: Orphanet 26791, MedGen C0268596, MONDO:0009282, OMIM 231680.

Submissions (2):

Dasa
Classification: Likely pathogenic. Last evaluated: 2026-03-03. Review status: criteria provided, single submitter. Criteria: DASA Assertion Criteria. Collection method: clinical testing. Allele origin: germline.
Comment: NM_000126.4(ETFA):c.664+1G>A affects a canonical splice site and is predicted to disrupt normal RNA splicing. Loss of function is an established disease mechanism for ETFA-associated disorders. This variant affects a canonical splice-site context with prior evidence supporting clinical relevance. Also, this variant is rare in population databases. Based on the currently available evidence, this variant is classified as likely pathogenic.

Labcorp Genetics (formerly Invitae), Labcorp
Classification: Likely pathogenic for Multiple acyl-CoA dehydrogenase deficiency. Last evaluated: 2019-12-30. Review status: criteria provided, single submitter. Criteria: Invitae Variant Classification Sherloc (09022015). Collection method: clinical testing. Allele origin: germline.
Comment: In summary, the currently available evidence indicates that the variant is pathogenic, but additional data are needed to prove that conclusively. Therefore, this variant has been classified as Likely Pathogenic. Donor and acceptor splice site variants typically lead to a loss of protein function (PMID: 16199547), and loss-of-function variants in ETFA are known to be pathogenic (PMID: 16510302, 23785301). Algorithms developed to predict the effect of sequence changes on RNA splicing suggest that this variant may disrupt the consensus splice site, but this prediction has not been confirmed by published transcriptional studies. This variant has not been reported in the literature in individuals with ETFA-related conditions. This variant is not present in population databases (ExAC no frequency). This sequence change affects a donor splice site in intron 7 of the ETFA gene. It is expected to disrupt RNA splicing and likely results in an absent or disrupted protein product.

Literature cited by the submitters: PubMed 16199547 (cited by Labcorp Genetics (formerly Invitae), Labcorp); PubMed 16510302 (cited by Labcorp Genetics (formerly Invitae), Labcorp); PubMed 23785301 (cited by Labcorp Genetics (formerly Invitae), Labcorp).

NM_000126.4(ETFA):c.664+1G>A

Gene: ETFA (electron transfer flavoprotein subunit alpha; minus strand). Cytogenetic location: 15q24.2.
Variant type: single nucleotide variant.
Coding change: c.664+1G>A on transcript NM_000126.4 (MANE Select); the canonical splice donor site of the intron after coding-DNA position 664, G replaced by A.
Molecular consequence: splice donor variant.
Genome position (GRCh38, 1-based): chr15:76,285,636, C>T on the plus strand (G>A on the coding strand, the complement: ETFA is on the minus strand). VCF-style: chr15-76285636-C-T. GRCh37 (hg19) VCF-style: chr15-76577977-C-T.
Other names: c.517+1G>A (NM_001127716.2).
Identifiers: ClinVar variation 862495 (VCV000862495.12), dbSNP rs2039698086, ClinGen allele CA393513105.